The following is an entry in ClinVar:

ClinVar aggregate classification (germline): Uncertain significance. Review status: criteria provided, multiple submitters, no conflicts (2 of 4 stars). 2 submissions from 2 submitters: Uncertain significance (2). Last evaluated 2025-01-14.

Conditions:
Inborn genetic diseases. Identifiers: MedGen C0950123, MeSH D030342.
Neuropathy, hereditary sensory and autonomic, type 2A (HSAN2A). Also called: HSAN IIA; MORVAN DISEASE; NEUROPATHY, CONGENITAL SENSORY; NEUROPATHY, HEREDITARY SENSORY RADICULAR, AUTOSOMAL RECESSIVE; NEUROPATHY, HEREDITARY SENSORY, TYPE IIA; NEUROPATHY, PROGRESSIVE SENSORY, OF CHILDREN. Identifiers: Orphanet 970, MedGen C2752089, MONDO:0024309, OMIM 201300.
Generalized epilepsy with febrile seizures plus, type 7 (GEFSP7). Also called: GEFS+, TYPE 7. Identifiers: Orphanet 36387, MedGen C2751778, MONDO:0013470, OMIM 613863.

Allele frequency attached by ClinVar (database versions not stated): ExAC 0.00001; gnomAD exomes 0.00001; TOPMed 0.00002; gnomAD 0.00003 and 0.00004.
gnomAD v4.1: 28 of 1,611,884 alleles (0.0017%); highest among the groups gnomAD compares: Non-Finnish European, 0.0021%; no homozygotes.

Submissions (2):

Labcorp Genetics (formerly Invitae), Labcorp
Classification: Uncertain significance for Neuropathy, hereditary sensory and autonomic, type 2A; Generalized epilepsy with febrile seizures plus, type 7. Last evaluated: 2025-01-14. Review status: criteria provided, single submitter. Criteria: Invitae Variant Classification Sherloc (09022015). Collection method: clinical testing. Allele origin: germline.
Comment: This sequence change replaces asparagine, which is neutral and polar, with serine, which is neutral and polar, at codon 101 of the SCN9A protein (p.Asn101Ser). This variant is present in population databases (rs752395219, gnomAD 0.002%). This variant has not been reported in the literature in individuals affected with SCN9A-related conditions. ClinVar contains an entry for this variant (Variation ID: 860415). Invitae Evidence Modeling of protein sequence and biophysical properties (such as structural, functional, and spatial information, amino acid conservation, physicochemical variation, residue mobility, and thermodynamic stability) indicates that this missense variant is not expected to disrupt SCN9A protein function with a negative predictive value of 95%. In summary, the available evidence is currently insufficient to determine the role of this variant in disease. Therefore, it has been classified as a Variant of Uncertain Significance.

Ambry Genetics
Classification: Uncertain significance for Inborn genetic diseases. Last evaluated: 2021-10-26. Review status: criteria provided, single submitter. Criteria: Ambry Variant Classification Scheme 2023. Collection method: clinical testing. Allele origin: germline.

NM_001365536.1(SCN9A):c.302A>G (p.Asn101Ser)

Gene: SCN9A (sodium voltage-gated channel alpha subunit 9; minus strand). Cytogenetic location: 2q24.3.
Variant type: single nucleotide variant.
Coding change: c.302A>G on transcript NM_001365536.1 (MANE Select); coding-DNA position 302, A replaced by G.
Protein change: p.Asn101Ser; replaces asparagine 101 with serine.
Molecular consequence: missense variant.
Genome position (GRCh38, 1-based): chr2:166,307,031, T>C on the plus strand (A>G on the coding strand, the complement: SCN9A is on the minus strand). VCF-style: chr2-166307031-T-C. GRCh37 (hg19) VCF-style: chr2-167163541-T-C.
Other names: c.302A>G, p.Asn101Ser (NM_002977.4); short protein forms N101S.
Identifiers: ClinVar variation 860415 (VCV000860415.12), dbSNP rs752395219, ClinGen allele CA1944830.